The following is an entry in ClinVar:

ClinVar aggregate classification (germline): Likely pathogenic (1 of 4 stars; one submission).

Conditions:
Cystinosis. Also called: Cystine diathesis; Cystine storage disease; Cystinoses. Identifiers: Orphanet 213, MedGen C4316899, MONDO:0016239.

Submission:

Myriad Genetics, Inc.
Classification: Likely pathogenic for Cystinosis. Last evaluated: 2019-05-16. Review status: criteria provided, single submitter. Criteria: Myriad Autosomal Dominant, Autosomal Recessive and X-Linked Classification Criteria (2023). Collection method: clinical testing. Allele origin: unknown.
Comment: NM_004937.2(CTNS):c.402C>G(Y134*) is expected to be pathogenic in the context of cystinosis. This variant is predicted to lead to an abnormal or absent protein product due to the creation of a premature termination codon in CTNS, a gene where loss-of-function variants are known to be pathogenic. Please note: this variant was assessed in the context of healthy population screening.

NM_004937.3(CTNS):c.402C>G (p.Tyr134Ter)

Genes: CTNS (cystinosin, lysosomal cystine transporter; plus strand), CTNS-AS1 (CTNS antisense RNA 1; minus strand). Cytogenetic location: 17p13.2.
Variant type: single nucleotide variant.
Coding change: c.402C>G on transcript NM_004937.3 (MANE Select); coding-DNA position 402, C replaced by G.
Protein change: p.Tyr134Ter; replaces tyrosine 134 with a stop codon.
Molecular consequence: nonsense. On other transcripts: 5 prime UTR variant (4).
Genome position (GRCh38, 1-based): chr17:3,655,293, C>G. VCF-style: chr17-3655293-C-G. GRCh37 (hg19) VCF-style: chr17-3558587-C-G.
Other names: c.402C>G, p.Tyr134Ter (NM_001031681.3, NM_001374492.1); c.-40C>G (NM_001374493.1, NM_001374494.1, NM_001374495.1 and 1 more transcripts); short protein forms Y134*.
Identifiers: ClinVar variation 984079 (VCV000984079.4), dbSNP rs2076100759, ClinGen allele CA397690728.
Genomic context (GRCh38, chr17:3,655,293, plus strand): 5'-CTTTCTTGTGATCCGCAGCAGCGCCATTAGCATCATAAACCAGGTGATTGGCTGGATCTA[C>G]TTTGTGGCCTGGTCCATCTCCTTCTACCCTCAGGTGATCATGAATTGGAGGCGGAAAAGG-3'